The following is an entry in ClinVar:

NM_178857.6(RP1L1):c.471T>G (p.Ile157Met)

Gene: RP1L1 (RP1 like 1). Cytogenetic location: 8p23.1.
Variant type: single nucleotide variant.
Coding change: c.471T>G on transcript NM_178857.6 (MANE Select); coding-DNA position 471, T replaced by G.
Protein change: p.Ile157Met; replaces isoleucine 157 with methionine.
Molecular consequence: missense variant.
Genome position (GRCh38, 1-based): chr8:10,622,731, A>C on the plus strand (T>G on the coding strand, the complement: RP1L1 is on the minus strand). VCF-style: chr8-10622731-A-C. GRCh37 (hg19) VCF-style: chr8-10480241-A-C.
Other names: short protein forms I157M.
Identifiers: ClinVar variation 3008278 (VCV003008278.3), dbSNP rs2117225864, ClinGen allele CA370300066.
Genomic context (GRCh38, chr8:10,622,731, plus strand): 5'-GTTCCTAGTATTCCTGTGACTGAGAACCACTGTCTGCTGGAGGCGAGGGTCCATGTTCTT[A>C]ATCAGCAGTATCCTCCGGGGGGTTTTAAGACTCTTCCGGGAGGAGGAGGTGCCTGGGGCT-3'
Protein context (NP_849188.4, residues 147-167): SLKTPRRILL[Ile157Met]KNMDPRLQQT

ClinVar aggregate classification (germline): Uncertain significance (1 of 4 stars; one submission).

Submission:

Labcorp Genetics (formerly Invitae), Labcorp
Classification: Uncertain significance. Last evaluated: 2023-04-27. Review status: criteria provided, single submitter. Criteria: Invitae Variant Classification Sherloc (09022015). Collection method: clinical testing. Allele origin: germline.
Comment: This sequence change replaces isoleucine, which is neutral and non-polar, with methionine, which is neutral and non-polar, at codon 157 of the RP1L1 protein (p.Ile157Met). This variant is not present in population databases (gnomAD no frequency). This variant has not been reported in the literature in individuals affected with RP1L1-related conditions. Advanced modeling of protein sequence and biophysical properties (such as structural, functional, and spatial information, amino acid conservation, physicochemical variation, residue mobility, and thermodynamic stability) performed at Invitae indicates that this missense variant is not expected to disrupt RP1L1 protein function. In summary, the available evidence is currently insufficient to determine the role of this variant in disease. Therefore, it has been classified as a Variant of Uncertain Significance.